The following is an entry in ClinVar:

ClinVar aggregate classification (germline): Pathogenic/Likely pathogenic. Review status: criteria provided, multiple submitters, no conflicts (2 of 4 stars). 2 submissions from 2 submitters: Pathogenic (1); Likely pathogenic (1). Last evaluated 2025-11-12.

Conditions:
PKD1-related disorder. Also called: PKD1-related condition.
Polycystic kidney disease, adult type (PKD1). Also called: Polycystic Kidney Disease 1, Autosomal Dominant; Polycystic kidney disease 1; Polycystic kidney disease 1, severe; Polycystic Kidney, Autosomal Dominant; POLYCYSTIC KIDNEY DISEASE, ADULT, TYPE I; POLYCYSTIC KIDNEY DISEASE 1 WITH OR WITHOUT POLYCYSTIC LIVER DISEASE. Identifiers: MedGen C3149841, MONDO:0008263, OMIM 173900.

Submissions (2):

PreventionGenetics, part of Exact Sciences
Classification: Pathogenic for PKD1-related condition. Last evaluated: 2025-11-12. Review status: criteria provided, single submitter. Criteria: ACMG Guidelines, 2015. Collection method: clinical testing. Allele origin: germline.
Comment: The PKD1 c.529+1G>A variant is predicted to disrupt the GT donor site and interfere with normal splicing. This variant was reported in an individual with polycystic kidney disease (reported as IVS4+1G>A in Garcia-Gonzalez et al 2007. PubMed ID: 17574468). This variant has not been reported in a large population database (gnomAD), indicating this variant is rare. Variants that disrupt the consensus splice donor site in PKD1 are expected to be pathogenic. This variant is interpreted as pathogenic.

Fulgent Genetics
Classification: Likely pathogenic for Polycystic kidney disease, adult type. Last evaluated: 2024-04-25. Review status: criteria provided, single submitter. Criteria: ACMG Guidelines, 2015. Collection method: clinical testing. Allele origin: germline.

NM_001009944.3(PKD1):c.529+1G>A

Gene: PKD1 (polycystin 1, transient receptor potential channel interacting; minus strand). Cytogenetic location: 16p13.3.
Variant type: single nucleotide variant.
Coding change: c.529+1G>A on transcript NM_001009944.3 (MANE Select); the canonical splice donor site of the intron after coding-DNA position 529, G replaced by A.
Molecular consequence: splice donor variant.
Genome position (GRCh38, 1-based): chr16:2,118,675, C>T on the plus strand (G>A on the coding strand, the complement: PKD1 is on the minus strand). VCF-style: chr16-2118675-C-T. GRCh37 (hg19) VCF-style: chr16-2168676-C-T.
Other names: c.529+1G>A (NM_000296.4, NM_001009944.2).
Identifiers: ClinVar variation 3579829 (VCV003579829.2).
Genomic context (GRCh38, chr16:2,118,675, plus strand): 5'-GCAGGGCCCAGGTCCCACCTGGCTGGGAAGGACAGAGCTGGCCCCACCCACCGGCACTCA[C>T]CACAGCCACTGTCCAGCAAGGGGATGCCAAGCAGAGGCTGGCCAGCCAGGGAGCCAGGCC-3'